The following is an entry in ClinVar:

ClinVar aggregate classification (germline): Likely benign (1 of 4 stars; one submission).

Allele frequency attached by ClinVar (database versions not stated): 1000 Genomes Project 30x 0.00062; 1000 Genomes Project 0.00080; TOPMed 0.00180; gnomAD 0.00201; ExAC 0.00242; ESP Exome Variant Server 0.00284; gnomAD exomes 0.00291.
gnomAD v4.1: 4,556 of 1,614,070 alleles (0.28%); highest among the groups gnomAD compares: Middle Eastern, 0.74%; 8 homozygotes.

Submission:

CeGaT Center for Human Genetics Tuebingen
Classification: Likely benign. Last evaluated: 2024-10-01. Review status: criteria provided, single submitter. Criteria: CeGaT Center For Human Genetics Tuebingen Variant Classification Criteria Version 2. Collection method: clinical testing. Allele origin: germline. Affected: yes. Observed: 2 variant alleles.
Comment: LPA: BP4, BP7

NM_005577.4(LPA):c.5548T>C (p.Leu1850=)

Gene: LPA (lipoprotein(a); minus strand). Cytogenetic location: 6q25.3.
Variant type: single nucleotide variant.
Coding change: c.5548T>C on transcript NM_005577.4 (MANE Select); coding-DNA position 5548, T replaced by C.
Protein change: p.Leu1850=; no amino-acid change (leucine 1850 retained).
Molecular consequence: synonymous variant.
Genome position (GRCh38, 1-based): chr6:160,541,153, A>G on the plus strand (T>C on the coding strand, the complement: LPA is on the minus strand). VCF-style: chr6-160541153-A-G. GRCh37 (hg19) VCF-style: chr6-160962185-A-G.
Identifiers: ClinVar variation 2657111 (VCV002657111.24), dbSNP rs200086599, ClinGen allele CA4085682.